The following is an entry in ClinVar:

ClinVar aggregate classification (germline): Uncertain significance. Review status: criteria provided, multiple submitters, no conflicts (2 of 4 stars). 3 submissions from 3 submitters: Uncertain significance (3). Last evaluated 2025-06-12.

Conditions:
CD2AP-related disorder. Also called: CD2AP-related condition.
Focal segmental glomerulosclerosis 3, susceptibility to (FSGS3). Identifiers: Orphanet 656, MedGen C1842982, MONDO:0011917, OMIM 607832.

Allele frequency attached by ClinVar (database versions not stated): gnomAD exomes 0.00001 and 0.00003; ExAC 0.00003; ESP Exome Variant Server 0.00008; gnomAD 0.00008 and 0.00009; TOPMed 0.00008; 1000 Genomes Project 30x 0.00016; 1000 Genomes Project 0.00020.
gnomAD v4.1: 35 of 1,614,022 alleles (0.0022%); highest among the groups gnomAD compares: African/African-American, 0.039%; no homozygotes.

Submissions (3):

Labcorp Genetics (formerly Invitae), Labcorp
Classification: Uncertain significance. Last evaluated: 2025-06-12. Review status: criteria provided, single submitter. Criteria: Invitae Variant Classification Sherloc (09022015). Collection method: clinical testing. Allele origin: germline.
Comment: This sequence change replaces leucine, which is neutral and non-polar, with serine, which is neutral and polar, at codon 184 of the CD2AP protein (p.Leu184Ser). This variant is present in population databases (rs138163915, gnomAD 0.05%). This variant has not been reported in the literature in individuals affected with CD2AP-related conditions. ClinVar contains an entry for this variant (Variation ID: 1422021). Invitae Evidence Modeling of protein sequence and biophysical properties (such as structural, functional, and spatial information, amino acid conservation, physicochemical variation, residue mobility, and thermodynamic stability) indicates that this missense variant is not expected to disrupt CD2AP protein function with a negative predictive value of 80%. In summary, the available evidence is currently insufficient to determine the role of this variant in disease. Therefore, it has been classified as a Variant of Uncertain Significance.

PreventionGenetics, part of Exact Sciences
Classification: Uncertain significance for CD2AP-related condition. Last evaluated: 2023-07-10. Review status: criteria provided, single submitter. Criteria: ACMG Guidelines, 2015. Collection method: clinical testing. Allele origin: germline.
Comment: The CD2AP c.551T>C variant is predicted to result in the amino acid substitution p.Leu184Ser. To our knowledge, this variant has not been reported in the literature. This variant is reported in 0.040% of alleles in individuals of African descent in gnomAD. At this time, the clinical significance of this variant is uncertain due to the absence of conclusive functional and genetic evidence.

Fulgent Genetics
Classification: Uncertain significance for Focal segmental glomerulosclerosis 3, susceptibility to. Last evaluated: 2022-04-21. Review status: criteria provided, single submitter. Criteria: ACMG Guidelines, 2015. Collection method: clinical testing. Allele origin: unknown.

NM_012120.3(CD2AP):c.551T>C (p.Leu184Ser)

Gene: CD2AP (CD2 associated protein; plus strand). Cytogenetic location: 6p12.3.
Variant type: single nucleotide variant.
Coding change: c.551T>C on transcript NM_012120.3 (MANE Select); coding-DNA position 551, T replaced by C.
Protein change: p.Leu184Ser; replaces leucine 184 with serine.
Molecular consequence: missense variant.
Genome position (GRCh38, 1-based): chr6:47,574,073, T>C. VCF-style: chr6-47574073-T-C. GRCh37 (hg19) VCF-style: chr6-47541809-T-C.
Other names: c.551T>C (NM_012120.2); short protein forms L184S.
Identifiers: ClinVar variation 1422021 (VCV001422021.9), dbSNP rs138163915, ClinGen allele CA3844030.